The following is an entry in ClinVar:

ClinVar aggregate classification (germline): Uncertain significance. Review status: criteria provided, multiple submitters, no conflicts (2 of 4 stars). 3 submissions from 3 submitters: Uncertain significance (3). Last evaluated 2025-02-04.

Conditions:
Cardiovascular phenotype. Identifiers: MedGen CN230736.
Progressive familial heart block type IB (PFHB1B). Identifiers: Orphanet 871, MedGen C1970298, MONDO:0011474, OMIM 604559.
Erythrokeratodermia variabilis et progressiva 6. Identifiers: MedGen C5193144, MONDO:0032801, OMIM 618531.

Allele frequency attached by ClinVar (database versions not stated): gnomAD exomes below 0.00001; TOPMed 0.00001.
gnomAD v4.1: 7 of 1,578,112 alleles (0.00044%); highest among the groups gnomAD compares: Admixed American, 0.0017%; no homozygotes.

Submissions (3):

Labcorp Genetics (formerly Invitae), Labcorp
Classification: Uncertain significance for Progressive familial heart block type IB. Last evaluated: 2025-02-04. Review status: criteria provided, single submitter. Criteria: Invitae Variant Classification Sherloc (09022015). Collection method: clinical testing. Allele origin: germline.
Comment: This sequence change affects a donor splice site in intron 17 of the TRPM4 gene. It is expected to disrupt RNA splicing. Variants that disrupt the donor or acceptor splice site typically lead to a loss of protein function (PMID: 16199547), however the current clinical and genetic evidence is not sufficient to establish whether loss-of-function variants in TRPM4 cause disease. This variant is not present in population databases (gnomAD no frequency). This variant has not been reported in the literature in individuals affected with TRPM4-related conditions. ClinVar contains an entry for this variant (Variation ID: 632318). Algorithms developed to predict the effect of sequence changes on RNA splicing suggest that this variant may disrupt the consensus splice site. In summary, the available evidence is currently insufficient to determine the role of this variant in disease. Therefore, it has been classified as a Variant of Uncertain Significance.

Fulgent Genetics
Classification: Uncertain significance for Progressive familial heart block type IB; Erythrokeratodermia variabilis et progressiva 6. Last evaluated: 2021-09-13. Review status: criteria provided, single submitter. Criteria: ACMG Guidelines, 2015. Collection method: clinical testing. Allele origin: unknown.

Ambry Genetics
Classification: Uncertain significance for Cardiovascular phenotype. Last evaluated: 2020-08-03. Review status: criteria provided, single submitter. Criteria: Ambry Variant Classification Scheme 2023. Collection method: clinical testing. Allele origin: germline.
Comment: The c.2645+1G>A intronic variant results from a G to A substitution one nucleotide after coding exon 17 of the TRPM4 gene. This nucleotide position is highly conserved in available vertebrate species. In silico splice site analysis predicts that this alteration will weaken the native splice donor site. Alterations that disrupt the canonical splice site are expected to cause aberrant splicing, resulting in an abnormal protein or a transcript that is subject to nonsense-mediated mRNA decay. However, loss of function of TRPM4 has not been clearly established as a mechanism of disease. Since supporting evidence is limited at this time, the clinical significance of this alteration remains unclear.

Literature cited by the submitters: PubMed 16199547 (cited by Labcorp Genetics (formerly Invitae), Labcorp).

NM_017636.4(TRPM4):c.2645+1G>A

Gene: TRPM4 (transient receptor potential cation channel subfamily M member 4; plus strand). Cytogenetic location: 19q13.33.
Variant type: single nucleotide variant.
Coding change: c.2645+1G>A on transcript NM_017636.4 (MANE Select); the canonical splice donor site of the intron after coding-DNA position 2645, G replaced by A.
Molecular consequence: splice donor variant. On other transcripts: intron variant (1).
Genome position (GRCh38, 1-based): chr19:49,196,875, G>A. VCF-style: chr19-49196875-G-A. GRCh37 (hg19) VCF-style: chr19-49700132-G-A.
Other names: c.2211-3425G>A (NM_001195227.2); c.1037+1G>A (NM_001321282.2); c.2300+1G>A (NM_001321281.2); c.2123+1G>A (NM_001321283.2); c.1583+1G>A (NM_001321285.2).
Identifiers: ClinVar variation 632318 (VCV000632318.9), dbSNP rs1568485293, ClinGen allele CA406809642.